The following is an entry in ClinVar:

ClinVar aggregate classification (germline): Uncertain significance (1 of 4 stars; one submission).

Allele frequency attached by ClinVar (database versions not stated): TOPMed below 0.00001; ExAC 0.00001; gnomAD 0.00001; gnomAD exomes 0.00001.
gnomAD v4.1: 9 of 1,612,478 alleles (0.00056%); highest among the groups gnomAD compares: Admixed American, 0.0017%; no homozygotes.

Submission:

Labcorp Genetics (formerly Invitae), Labcorp
Classification: Uncertain significance. Last evaluated: 2024-06-09. Review status: criteria provided, single submitter. Criteria: Invitae Variant Classification Sherloc (09022015). Collection method: clinical testing. Allele origin: germline.
Comment: This sequence change replaces isoleucine, which is neutral and non-polar, with threonine, which is neutral and polar, at codon 283 of the ERBIN protein (p.Ile283Thr). This variant is present in population databases (rs746860482, gnomAD 0.0009%). This variant has not been reported in the literature in individuals affected with ERBIN-related conditions. An algorithm developed to predict the effect of missense changes on protein structure and function (PolyPhen-2) suggests that this variant is likely to be disruptive. In summary, the available evidence is currently insufficient to determine the role of this variant in disease. Therefore, it has been classified as a Variant of Uncertain Significance.

NM_001253697.2(ERBIN):c.848T>C (p.Ile283Thr)

Gene: ERBIN (erbb2 interacting protein; plus strand). Cytogenetic location: 5q12.3.
Variant type: single nucleotide variant.
Coding change: c.848T>C on transcript NM_001253697.2 (MANE Select); coding-DNA position 848, T replaced by C.
Protein change: p.Ile283Thr; replaces isoleucine 283 with threonine.
Molecular consequence: missense variant.
Genome position (GRCh38, 1-based): chr5:66,025,510, T>C. VCF-style: chr5-66025510-T-C. GRCh37 (hg19) VCF-style: chr5-65321338-T-C.
Other names: c.848T>C, p.Ile283Thr (NM_001006600.3, NM_001253698.2, NM_001253699.2 and 2 more transcripts); short protein forms I283T.
Identifiers: ClinVar variation 2885370 (VCV002885370.3), dbSNP rs746860482, ClinGen allele CA3286066.